The following is an entry in ClinVar:

NM_015450.3(POT1):c.1627G>A (p.Val543Ile)

Gene: POT1 (protection of telomeres 1; minus strand). Cytogenetic location: 7q31.33.
Variant type: single nucleotide variant.
Coding change: c.1627G>A on transcript NM_015450.3 (MANE Select); coding-DNA position 1627, G replaced by A.
Protein change: p.Val543Ile; replaces valine 543 with isoleucine.
Molecular consequence: missense variant. On other transcripts: non-coding transcript variant (3).
Genome position (GRCh38, 1-based): chr7:124,827,273, C>T on the plus strand (G>A on the coding strand, the complement: POT1 is on the minus strand). VCF-style: chr7-124827273-C-T. GRCh37 (hg19) VCF-style: chr7-124467327-C-T.
Other names: c.1234G>A, p.Val412Ile (NM_001042594.2); short protein forms V543I, V412I.
Identifiers: ClinVar variation 3308972 (VCV003308972.1).

ClinVar aggregate classification (germline): Uncertain significance (1 of 4 stars; one submission).

Conditions:
Hereditary cancer-predisposing syndrome. Also called: Neoplastic Syndromes, Hereditary; Tumor predisposition; Hereditary neoplastic syndrome; Hereditary Cancer Syndrome. Identifiers: Orphanet 140162, MedGen C0027672, MeSH D009386, MONDO:0015356.

Submission:

Ambry Genetics
Classification: Uncertain significance for Hereditary cancer-predisposing syndrome. Last evaluated: 2024-05-18. Review status: criteria provided, single submitter. Criteria: Ambry Variant Classification Scheme 2023. Collection method: clinical testing. Allele origin: germline.
Comment: The p.V543I variant (also known as c.1627G>A), located in coding exon 13 of the POT1 gene, results from a G to A substitution at nucleotide position 1627. The valine at codon 543 is replaced by isoleucine, an amino acid with highly similar properties. This amino acid position is conserved. In addition, this alteration is predicted to be tolerated by in silico analysis. Based on the available evidence, the clinical significance of this variant remains unclear.